The following is an entry in ClinVar:

NM_014742.4(TM9SF4):c.1016A>G (p.Gln339Arg)

Gene: TM9SF4 (transmembrane 9 superfamily member 4; plus strand). Cytogenetic location: 20q11.21.
Variant type: single nucleotide variant.
Coding change: c.1016A>G on transcript NM_014742.4 (MANE Select); coding-DNA position 1016, A replaced by G.
Protein change: p.Gln339Arg; replaces glutamine 339 with arginine.
Molecular consequence: missense variant.
Genome position (GRCh38, 1-based): chr20:32,149,695, A>G. VCF-style: chr20-32149695-A-G. GRCh37 (hg19) VCF-style: chr20-30737498-A-G.
Other names: c.965A>G, p.Gln322Arg (NM_001363731.2); short protein forms Q339R, Q322R.
Identifiers: ClinVar variation 4993478 (VCV004993478.1).

ClinVar aggregate classification (germline): Uncertain significance (1 of 4 stars; one submission).

Conditions:
TM9SF4-related disorder. Also called: TM9SF4-related condition.

Submission:

PreventionGenetics, part of Exact Sciences
Classification: Uncertain significance for TM9SF4-related condition. Last evaluated: 2025-08-15. Review status: criteria provided, single submitter. Criteria: ACMG Guidelines, 2015. Collection method: clinical testing. Allele origin: germline.
Comment: The TM9SF4 c.1016A>G variant is predicted to result in the amino acid substitution p.Gln339Arg. To our knowledge, this variant has not been reported in the literature or in a large population database (gnomAD), indicating this variant is rare. At this time, the clinical significance of this variant is uncertain due to the absence of conclusive functional and genetic evidence.